The following is an entry in ClinVar:

ClinVar aggregate classification (germline): Pathogenic. Review status: criteria provided, multiple submitters, no conflicts (2 of 4 stars). 2 submissions from 2 submitters: Pathogenic (2). Last evaluated 2025-08-18.

Conditions:
Hereditary spastic paraplegia 4. Also called: Familial spastic paraplegia autosomal dominant 2; Spastic Paraplegia 4; Spastic paraplegia 4, autosomal dominant. Identifiers: Orphanet 100985, MedGen C1866855, MONDO:0008438, OMIM 182601.

Submissions (2):

Labcorp Genetics (formerly Invitae), Labcorp
Classification: Pathogenic for Hereditary spastic paraplegia 4. Last evaluated: 2025-08-18. Review status: criteria provided, single submitter. Criteria: Invitae Variant Classification Sherloc (09022015). Collection method: clinical testing. Allele origin: germline.
Comment: This sequence change affects an acceptor splice site in intron 14 of the SPAST gene. It is expected to disrupt RNA splicing. Variants that disrupt the donor or acceptor splice site typically lead to a loss of protein function (PMID: 16199547), and loss-of-function variants in SPAST are known to be pathogenic (PMID: 20932283). This variant is not present in population databases (gnomAD no frequency). Disruption of this splice site has been observed in individuals with hereditary spastic paraplegia (PMID: 12161613, 16682546, 22960362). ClinVar contains an entry for this variant (Variation ID: 805512). Algorithms developed to predict the effect of sequence changes on RNA splicing suggest that this variant may disrupt the consensus splice site. For these reasons, this variant has been classified as Pathogenic.

Athena Diagnostics
Classification: Pathogenic. Last evaluated: 2018-10-01. Review status: criteria provided, single submitter. Criteria: Athena Diagnostics Criteria. Collection method: clinical testing. Allele origin: germline.
Comment: The variant disrupts a canonical splice site, and is therefore predicted to significantly disrupt the protein structure. Found in at least one symptomatic patient, and not found in general population data.

Literature cited by the submitters: PubMed 16199547 (cited by Labcorp Genetics (formerly Invitae), Labcorp); PubMed 20932283 (cited by Labcorp Genetics (formerly Invitae), Labcorp); PubMed 12161613 (cited by Labcorp Genetics (formerly Invitae), Labcorp); PubMed 16682546 (cited by Labcorp Genetics (formerly Invitae), Labcorp and Athena Diagnostics); PubMed 22960362 (cited by Labcorp Genetics (formerly Invitae), Labcorp); PubMed 28160950 (cited by Athena Diagnostics); PubMed 17971434 (cited by Athena Diagnostics).

NM_014946.4(SPAST):c.1617-2A>G

Gene: SPAST (spastin; plus strand). Cytogenetic location: 2p22.3.
Variant type: single nucleotide variant.
Coding change: c.1617-2A>G on transcript NM_014946.4 (MANE Select); the canonical splice acceptor site of the intron before coding-DNA position 1617, A replaced by G.
Molecular consequence: splice acceptor variant. On other transcripts: intron variant (1).
Genome position (GRCh38, 1-based): chr2:32,144,935, A>G. VCF-style: chr2-32144935-A-G. GRCh37 (hg19) VCF-style: chr2-32370004-A-G.
Other names: c.1518-2A>G (NM_001363875.2); c.1521-2A>G (NM_199436.2); c.1520+1520A>G (NM_001377959.1); c.1614-2A>G (NM_001363823.2).
Identifiers: ClinVar variation 805512 (VCV000805512.9), dbSNP rs1553319524, ClinGen allele CA346504145.